The following is an entry in ClinVar:

NM_000218.3(KCNQ1):c.1514+9231G>A

Genes: KCNQ1 (potassium voltage-gated channel subfamily Q member 1; plus strand), KCNQ1OT1 (KCNQ1 opposite strand/antisense transcript 1; minus strand). Cytogenetic location: 11p15.5.
Variant type: single nucleotide variant.
Coding change: c.1514+9231G>A on transcript NM_000218.3 (MANE Select); 9231 bases into the intron after coding-DNA position 1514, G replaced by A.
Molecular consequence: intron variant. On other transcripts: non-coding transcript variant (1).
Genome position (GRCh38, 1-based): chr11:2,671,312, G>A. VCF-style: chr11-2671312-G-A. GRCh37 (hg19) VCF-style: chr11-2692542-G-A.
Other names: c.1244+9231G>A (NM_001406837.1); c.1418+9231G>A (NM_001406836.1); c.974+9231G>A (NM_001406838.1); c.1133+9231G>A (NM_181798.2).
Identifiers: ClinVar variation 2641466 (VCV002641466.24), dbSNP rs556505535, ClinGen allele CA216177998.
Genomic context (GRCh38, chr11:2,671,312, plus strand): 5'-TGTCCCCACCATCCCCAGCCCCTTAGCCTCTGATCTTCTCCATAAGTAATCTTTTCCCAT[G>A]TGTGGCTGCAGCCTCAGAGGCTCCCTCTGAAGATGACACTGGGAATATCCTGAAAAAGGT-3'

ClinVar aggregate classification (germline): Benign (1 of 4 stars; one submission).

Allele frequency attached by ClinVar (database versions not stated): 1000 Genomes Project 0.00040; 1000 Genomes Project 30x 0.00047; TOPMed 0.00076; gnomAD 0.00079; gnomAD exomes 0.00100.
gnomAD v4.1: 381 of 398,588 alleles (0.096%); highest among the groups gnomAD compares: Non-Finnish European, 0.14%; no homozygotes.

Submission:

CeGaT Center for Human Genetics Tuebingen
Classification: Benign. Last evaluated: 2026-09-01. Review status: criteria provided, single submitter. Criteria: CeGaT Center For Human Genetics Tuebingen Variant Classification Criteria Version 2. Collection method: clinical testing. Allele origin: germline. Affected: yes. Observed: 16 variant alleles.
Comment: KCNQ1OT1: BS1, BS2